The following is an entry in ClinVar:

ClinVar aggregate classification (germline): Likely benign (0 of 4 stars; one submission).

Conditions:
PRKG1-related disorder. Also called: PRKG1-related condition.

Allele frequency attached by ClinVar (database versions not stated): ExAC 0.00002.
gnomAD v4.1: 3 of 1,612,892 alleles (0.00019%); highest among the groups gnomAD compares: Non-Finnish European, 0.00025%; no homozygotes.

Submission:

PreventionGenetics, part of Exact Sciences
Classification: Likely benign for PRKG1-related condition. Last evaluated: 2023-02-15. Review status: no assertion criteria provided. Collection method: clinical testing. Allele origin: germline.
Comment: This variant is classified as likely benign based on ACMG/AMP sequence variant interpretation guidelines (Richards et al. 2015 PMID: 25741868, with internal and published modifications).

NM_006258.4(PRKG1):c.1543C>T (p.Leu515=)

Gene: PRKG1 (protein kinase cGMP-dependent 1; plus strand). Cytogenetic location: 10q21.1.
Variant type: single nucleotide variant.
Coding change: c.1543C>T on transcript NM_006258.4 (MANE Select); coding-DNA position 1543, C replaced by T.
Protein change: p.Leu515=; no amino-acid change (leucine 515 retained).
Molecular consequence: synonymous variant.
Genome position (GRCh38, 1-based): chr10:52,280,928, C>T. VCF-style: chr10-52280928-C-T. GRCh37 (hg19) VCF-style: chr10-54040688-C-T.
Other names: c.1498C>T, p.Leu500= (NM_001098512.3); c.334C>T, p.Leu112= (NM_001374781.1).
Identifiers: ClinVar variation 3044774 (VCV003044774.2), dbSNP rs778332051, ClinGen allele CA5503875.